The following is an entry in ClinVar:

ClinVar aggregate classification (germline): Uncertain significance (1 of 4 stars; one submission).

Conditions:
Inborn genetic diseases. Identifiers: MedGen C0950123, MeSH D030342.

gnomAD v4.1: 3 of 1,613,752 alleles (0.00019%); highest among the groups gnomAD compares: Non-Finnish European, 0.000085%; no homozygotes.

Submission:

Ambry Genetics
Classification: Uncertain significance for Inborn genetic diseases. Last evaluated: 2026-08-26. Review status: criteria provided, single submitter. Criteria: Ambry Variant Classification Scheme 2023. Collection method: clinical testing. Allele origin: germline.
Comment: The p.R341C variant (also known as c.1021C>T), located in coding exon 8 of the KDM1A gene, results from a C to T substitution at nucleotide position 1021. The arginine at codon 341 is replaced by cysteine, an amino acid with highly dissimilar properties. This amino acid position is conserved. In addition, this alteration is predicted to be deleterious by in silico analysis. Based on the available evidence, the clinical significance of this variant remains unclear.

NM_001009999.3(KDM1A):c.1021C>T (p.Arg341Cys)

Gene: KDM1A (lysine demethylase 1A; plus strand). Cytogenetic location: 1p36.12.
Variant type: single nucleotide variant.
Coding change: c.1021C>T on transcript NM_001009999.3 (MANE Select); coding-DNA position 1021, C replaced by T.
Protein change: p.Arg341Cys; replaces arginine 341 with cysteine.
Molecular consequence: missense variant.
Genome position (GRCh38, 1-based): chr1:23,057,514, C>T. VCF-style: chr1-23057514-C-T. GRCh37 (hg19) VCF-style: chr1-23384007-C-T.
Other names: c.961C>T, p.Arg321Cys (NM_015013.4, NM_001363654.2, NM_001410763.1); c.1021C>T, p.Arg341Cys (NM_001410762.1); short protein forms R321C, R341C.
Identifiers: ClinVar variation 5023100 (VCV005023100.1).